The following is an entry in ClinVar:

NM_002739.5(PRKCG):c.1905G>T (p.Pro635=)

Gene: PRKCG (protein kinase C gamma; plus strand). Cytogenetic location: 19q13.42.
Variant type: single nucleotide variant.
Coding change: c.1905G>T on transcript NM_002739.5 (MANE Select); coding-DNA position 1905, G replaced by T.
Protein change: p.Pro635=; no amino-acid change (proline 635 retained).
Molecular consequence: synonymous variant.
Genome position (GRCh38, 1-based): chr19:53,906,457, G>T. VCF-style: chr19-53906457-G-T. GRCh37 (hg19) VCF-style: chr19-54409711-G-T.
Other names: c.1905G>T, p.Pro635= (NM_001316329.2).
Identifiers: ClinVar variation 3896962 (VCV003896962.1).
Genomic context (GRCh38, chr19:53,906,457, plus strand): 5'-CTGGATTGACTGGGAGCGGCTGGAACGATTGGAGATCCCGCCTCCTTTCAGACCCCGCCC[G>T]GTCAGTCACCCTCCAGGCAACAAAAACCTGGTCCCTGAAGGGGTGGGGTTCCCCTGGGCC-3'
Protein context (NP_002730.1, residues 625-645): LEIPPPFRPR[Pro635=]CGRSGENFDK

ClinVar aggregate classification (germline): Uncertain significance (1 of 4 stars; one submission).

Conditions:
Spinocerebellar ataxia type 14 (SCA14). Identifiers: Orphanet 98763, MedGen C1854369, MONDO:0011540, OMIM 605361.

Submission:

Kariminejad - Najmabadi Pathology & Genetics Center
Classification: Uncertain significance for Spinocerebellar ataxia type 14. Last evaluated: 2024-03-27. Review status: criteria provided, single submitter. Criteria: ACMG Guidelines, 2015. Collection method: clinical testing. Allele origin: germline. Inheritance: Autosomal dominant inheritance. Affected: yes.
Comment: PM2_M,PP3_M